The following is an entry in ClinVar:

ClinVar aggregate classification (germline): Uncertain significance. Review status: criteria provided, multiple submitters, no conflicts (2 of 4 stars). 3 submissions from 3 submitters: Uncertain significance (2). 1 of the submissions does not count toward it. Last evaluated 2023-07-26.

Conditions:
Melanoma, cutaneous malignant, susceptibility to, 5. Also called: Cutaneous malignant melanoma 5. Identifiers: Orphanet 618, MedGen C2751295, MONDO:0013133, OMIM 613099.

Allele frequency attached by ClinVar (database versions not stated): TOPMed 0.00005; gnomAD 0.00006; ExAC 0.00003; gnomAD exomes 0.00004 and 0.00005.
gnomAD v4.1: 85 of 1,613,686 alleles (0.0053%); highest among the groups gnomAD compares: African/African-American, 0.008%; no homozygotes.

Submissions (3):

Labcorp Genetics (formerly Invitae), Labcorp
Classification: Uncertain significance for Melanoma, cutaneous malignant, susceptibility to, 5. Last evaluated: 2023-07-26. Review status: criteria provided, single submitter. Criteria: Invitae Variant Classification Sherloc (09022015). Collection method: clinical testing. Allele origin: germline.
Comment: ClinVar contains an entry for this variant (Variation ID: 160361). In summary, the available evidence is currently insufficient to determine the role of this variant in disease. Therefore, it has been classified as a Variant of Uncertain Significance. Advanced modeling of protein sequence and biophysical properties (such as structural, functional, and spatial information, amino acid conservation, physicochemical variation, residue mobility, and thermodynamic stability) performed at Invitae indicates that this missense variant is not expected to disrupt MC1R protein function. This missense change has been observed in individual(s) with melanoma (PMID: 23647022). This variant is present in population databases (rs587783376, gnomAD 0.03%). This sequence change replaces valine, which is neutral and non-polar, with isoleucine, which is neutral and non-polar, at codon 265 of the MC1R protein (p.Val265Ile).

Revvity Omics, Revvity
Classification: Uncertain significance. Last evaluated: 2019-08-19. Review status: criteria provided, single submitter. Criteria: ACMG Guidelines, 2015. Collection method: clinical testing. Allele origin: germline.

Department of Molecular Biophysics, University of Lodz
No classification provided. Review status: no classification provided. Collection method: not provided. Allele origin: unknown. Not counted in ClinVar's aggregate classification.

Literature cited by the submitters: PubMed 23647022 (cited by Labcorp Genetics (formerly Invitae), Labcorp).

NM_002386.4(MC1R):c.793G>A (p.Val265Ile)

Gene: MC1R (melanocortin 1 receptor; plus strand). Cytogenetic location: 16q24.3.
Variant type: single nucleotide variant.
Coding change: c.793G>A on transcript NM_002386.4 (MANE Select); coding-DNA position 793, G replaced by A.
Protein change: p.Val265Ile; replaces valine 265 with isoleucine.
Molecular consequence: missense variant.
Genome position (GRCh38, 1-based): chr16:89,920,051, G>A. VCF-style: chr16-89920051-G-A. GRCh37 (hg19) VCF-style: chr16-89986459-G-A.
Other names: short protein forms V265I.
Identifiers: ClinVar variation 160361 (VCV000160361.13), dbSNP rs587783376, ClinGen allele CA233348.